The following is an entry in ClinVar:

NM_145166.4(ZBTB47):c.942G>A (p.Glu314=)

Gene: ZBTB47 (zinc finger and BTB domain containing 47; plus strand). Cytogenetic location: 3p22.1.
Variant type: single nucleotide variant.
Coding change: c.942G>A on transcript NM_145166.4 (MANE Select); coding-DNA position 942, G replaced by A.
Protein change: p.Glu314=; no amino-acid change (glutamic acid 314 retained).
Molecular consequence: synonymous variant.
Genome position (GRCh38, 1-based): chr3:42,659,297, G>A. VCF-style: chr3-42659297-G-A. GRCh37 (hg19) VCF-style: chr3-42700789-G-A.
Other names: c.1026G>A, p.Glu342= (NM_001410746.1).
Identifiers: ClinVar variation 4280754 (VCV004280754.7).

ClinVar aggregate classification (germline): Likely benign (1 of 4 stars; one submission).

gnomAD v4.1: 598 of 1,488,546 alleles (0.04%); highest among the groups gnomAD compares: African/African-American, 0.75%; no homozygotes.

Submission:

CeGaT Center for Human Genetics Tuebingen
Classification: Likely benign. Last evaluated: 2025-09-01. Review status: criteria provided, single submitter. Criteria: CeGaT Center For Human Genetics Tuebingen Variant Classification Criteria Version 2. Collection method: clinical testing. Allele origin: germline. Affected: yes. Observed: 1 variant allele.
Comment: ZBTB47: BP4, BP7